The following is an entry in ClinVar:

ClinVar aggregate classification (germline): Likely benign. Review status: criteria provided, multiple submitters, no conflicts (2 of 4 stars). 2 submissions from 2 submitters: Likely benign (2). Last evaluated 2026-01-13.

Conditions:
ZNF469-related disorder. Also called: ZNF469-related condition.

Allele frequency attached by ClinVar (database versions not stated): TOPMed 0.00003; ExAC 0.00071; 1000 Genomes Project 30x 0.00078; 1000 Genomes Project 0.00080.
gnomAD v4.1: 180 of 1,550,288 alleles (0.012%); highest among the groups gnomAD compares: South Asian, 0.18%; 3 homozygotes.

Submissions (2):

Labcorp Genetics (formerly Invitae), Labcorp
Classification: Likely benign. Last evaluated: 2026-01-13. Review status: criteria provided, single submitter. Criteria: Invitae Variant Classification Sherloc (09022015). Collection method: clinical testing. Allele origin: germline.

PreventionGenetics, part of Exact Sciences
Classification: Likely benign for ZNF469-related condition. Last evaluated: 2025-09-25. Review status: criteria provided, single submitter. Criteria: ACMG Guidelines, 2015. Collection method: clinical testing. Allele origin: germline.
Comment: This variant is classified as likely benign based on ACMG/AMP sequence variant interpretation guidelines (Richards et al. 2015 PMID: 25741868, with internal and published modifications).

NM_001367624.2(ZNF469):c.5708G>A (p.Arg1903His)

Gene: ZNF469 (zinc finger protein 469; plus strand). Cytogenetic location: 16q24.2.
Variant type: single nucleotide variant.
Coding change: c.5708G>A on transcript NM_001367624.2 (MANE Select); coding-DNA position 5708, G replaced by A.
Protein change: p.Arg1903His; replaces arginine 1903 with histidine.
Molecular consequence: missense variant.
Genome position (GRCh38, 1-based): chr16:88,433,178, G>A. VCF-style: chr16-88433178-G-A. GRCh37 (hg19) VCF-style: chr16-88499586-G-A.
Other names: NM_001127464.2:c.5624G>A; short protein forms R1903H.
Identifiers: ClinVar variation 2697726 (VCV002697726.4), dbSNP rs565007481, ClinGen allele CA8225102.